The following is an entry in ClinVar:

ClinVar aggregate classification (germline): Uncertain significance. Review status: criteria provided, multiple submitters, no conflicts (2 of 4 stars). 3 submissions from 3 submitters: Uncertain significance (3). Last evaluated 2025-12-17.

Conditions:
Hereditary cancer-predisposing syndrome. Also called: Tumor predisposition; Hereditary Cancer Syndrome; Hereditary neoplastic syndrome; Neoplastic Syndromes, Hereditary. Identifiers: Orphanet 140162, MedGen C0027672, MeSH D009386, MONDO:0015356.
Familial adenomatous polyposis 1 (FAP1). Also called: FAMILIAL ADENOMATOUS POLYPOSIS 1, ATTENUATED; POLYPOSIS, ADENOMATOUS INTESTINAL. Identifiers: MedGen C2713442, MONDO:0021056, OMIM 175100. Disease mechanism: loss of function.

Submissions (3):

Labcorp Genetics (formerly Invitae), Labcorp
Classification: Uncertain significance for Familial adenomatous polyposis 1. Last evaluated: 2025-12-17. Review status: criteria provided, single submitter. Criteria: Invitae Variant Classification Sherloc (09022015). Collection method: clinical testing. Allele origin: germline.
Comment: This sequence change replaces threonine, which is neutral and polar, with serine, which is neutral and polar, at codon 1990 of the APC protein (p.Thr1990Ser). This variant is not present in population databases (gnomAD no frequency). This variant has not been reported in the literature in individuals affected with APC-related conditions. ClinVar contains an entry for this variant (Variation ID: 1466806). Invitae Evidence Modeling of protein sequence and biophysical properties (such as structural, functional, and spatial information, amino acid conservation, physicochemical variation, residue mobility, and thermodynamic stability) indicates that this missense variant is not expected to disrupt APC protein function with a negative predictive value of 95%. RNA analysis performed to evaluate the impact of this missense change on mRNA splicing indicates it does not significantly alter splicing (internal data). In summary, the available evidence is currently insufficient to determine the role of this variant in disease. Therefore, it has been classified as a Variant of Uncertain Significance.

Color Diagnostics, LLC DBA Color Health
Classification: Uncertain significance for Hereditary cancer-predisposing syndrome. Last evaluated: 2022-11-16. Review status: criteria provided, single submitter. Criteria: ACMG Guidelines, 2015. Collection method: clinical testing. Allele origin: germline.
Comment: This missense variant replaces threonine with serine at codon 1990 of the APC protein. Computational prediction suggests that this variant may not impact protein structure and function (internally defined REVEL score threshold <= 0.5, PMID: 27666373). To our knowledge, functional studies have not been reported for this variant. This variant has not been reported in individuals affected with APC-related disorders in the literature. This variant has not been identified in the general population by the Genome Aggregation Database (gnomAD). The available evidence is insufficient to determine the role of this variant in disease conclusively. Therefore, this variant is classified as a Variant of Uncertain Significance.

Ambry Genetics
Classification: Uncertain significance for Hereditary cancer-predisposing syndrome. Last evaluated: 2022-09-06. Review status: criteria provided, single submitter. Criteria: Ambry Variant Classification Scheme 2023. Collection method: clinical testing. Allele origin: germline.
Comment: The p.T1990S variant (also known as c.5969C>G), located in coding exon 15 of the APC gene, results from a C to G substitution at nucleotide position 5969. The threonine at codon 1990 is replaced by serine, an amino acid with similar properties. This amino acid position is not well conserved in available vertebrate species. In addition, in silico predictors for this gene do not accurately predict pathogenicity. Since supporting evidence is limited at this time, the clinical significance of this alteration remains unclear.

NM_000038.6(APC):c.5969C>G (p.Thr1990Ser)

Gene: APC (APC regulator of Wnt signaling pathway; plus strand). Cytogenetic location: 5q22.2.
Variant type: single nucleotide variant.
Coding change: c.5969C>G on transcript NM_000038.6 (MANE Select); coding-DNA position 5969, C replaced by G.
Protein change: p.Thr1990Ser; replaces threonine 1990 with serine.
Molecular consequence: missense variant.
Genome position (GRCh38, 1-based): chr5:112,841,563, C>G. VCF-style: chr5-112841563-C-G. GRCh37 (hg19) VCF-style: chr5-112177260-C-G.
Other names: c.5969C>G, p.Thr1990Ser (NM_001127510.3, NM_001354895.2); c.5915C>G, p.Thr1972Ser (NM_001127511.3); c.6023C>G, p.Thr2008Ser (NM_001354896.2); c.5999C>G, p.Thr2000Ser (NM_001354897.2); c.5894C>G, p.Thr1965Ser (NM_001354898.2); c.5885C>G, p.Thr1962Ser (NM_001354899.2); c.5846C>G, p.Thr1949Ser (NM_001354900.2); c.5792C>G, p.Thr1931Ser (NM_001354901.2); and 5 more; short protein forms T1864S, T2000S, T1962S, T1972S, T1990S, T2008S, T1707S, T1889S.
Identifiers: ClinVar variation 1466806 (VCV001466806.11), dbSNP rs1476012829, ClinGen allele CA16034401.